The following is an entry in ClinVar:

ClinVar aggregate classification (germline): Benign/Likely benign. Review status: criteria provided, multiple submitters, no conflicts (2 of 4 stars). 7 submissions from 7 submitters: Benign (2); Likely benign (5). Last evaluated 2026-07-21.

Conditions:
SCN9A-related disorder. Also called: SCN9A-related condition; SCN9A-related disorders.
Inborn genetic diseases. Identifiers: MedGen C0950123, MeSH D030342.
Neuropathy, hereditary sensory and autonomic, type 2A (HSAN2A). Also called: WNK1-Related HSAN2 (HSAN2A); MORVAN DISEASE; NEUROPATHY, CONGENITAL SENSORY; NEUROPATHY, HEREDITARY SENSORY RADICULAR, AUTOSOMAL RECESSIVE; NEUROPATHY, HEREDITARY SENSORY, TYPE IIA; NEUROPATHY, PROGRESSIVE SENSORY, OF CHILDREN. Identifiers: Orphanet 970, MedGen C2752089, MONDO:0024309, OMIM 201300.
Generalized epilepsy with febrile seizures plus, type 7 (GEFSP7). Also called: GEFS+, TYPE 7. Identifiers: Orphanet 36387, MedGen C2751778, MONDO:0013470, OMIM 613863.

Allele frequency attached by ClinVar (database versions not stated): gnomAD exomes 0.00007 and 0.00020; ExAC 0.00030; ESP Exome Variant Server 0.00083; TOPMed 0.00091; 1000 Genomes Project 0.00100; gnomAD 0.00101 and 0.00106; 1000 Genomes Project 30x 0.00109.
gnomAD v4.1: 258 of 1,612,880 alleles (0.016%); highest among the groups gnomAD compares: African/African-American, 0.33%; 1 homozygote.

Submissions (7):

PreventionGenetics, part of Exact Sciences
Classification: Likely benign for SCN9A-related condition. Last evaluated: 2026-07-21. Review status: criteria provided, single submitter. Criteria: ACMG Guidelines, 2015. Collection method: clinical testing. Allele origin: germline.
Comment: This variant is classified as likely benign based on ACMG/AMP sequence variant interpretation guidelines (Richards et al. 2015 PMID: 25741868, with internal and published modifications).

Labcorp Genetics (formerly Invitae), Labcorp
Classification: Benign for Neuropathy, hereditary sensory and autonomic, type 2A; Generalized epilepsy with febrile seizures plus, type 7. Last evaluated: 2026-02-03. Review status: criteria provided, single submitter. Criteria: Invitae Variant Classification Sherloc (09022015). Collection method: clinical testing. Allele origin: germline.

Women's Health and Genetics/Laboratory Corporation of America, LabCorp
Classification: Likely benign. Last evaluated: 2026-01-06. Review status: criteria provided, single submitter. Criteria: LabCorp Variant Classification Summary - May 2015. Collection method: clinical testing. Allele origin: germline.

Blueprint Genetics
Classification: Likely benign. Last evaluated: 2021-09-08. Review status: criteria provided, single submitter. Criteria: ACMG Guidelines, 2015. Collection method: clinical testing. Allele origin: germline.

Ambry Genetics
Classification: Likely benign for Inborn genetic diseases. Last evaluated: 2019-07-11. Review status: criteria provided, single submitter. Criteria: Ambry Variant Classification Scheme 2023. Collection method: clinical testing. Allele origin: germline.

Eurofins Ntd Llc (ga)
Classification: Benign. Last evaluated: 2016-08-26. Review status: criteria provided, single submitter. Criteria: EGL Classification Definitions 2015. Collection method: clinical testing. Allele origin: germline. Observed: 1 variant allele, 1 heterozygote.

GeneDx
Classification: Likely benign. Last evaluated: 2016-05-18. Review status: criteria provided, single submitter. Criteria: GeneDx Variant Classification (06012015). Collection method: clinical testing. Allele origin: germline. Affected: yes.
Comment: This variant is considered likely benign or benign based on one or more of the following criteria: it is a conservative change, it occurs at a poorly conserved position in the protein, it is predicted to be benign by multiple in silico algorithms, and/or has population frequency not consistent with disease.

NM_001365536.1(SCN9A):c.2409T>C (p.Tyr803=)

Genes: SCN1A-AS1 (SCN1A and SCN9A antisense RNA 1; plus strand), SCN9A (sodium voltage-gated channel alpha subunit 9; minus strand). Cytogenetic location: 2q24.3.
Variant type: single nucleotide variant.
Coding change: c.2409T>C on transcript NM_001365536.1 (MANE Select); coding-DNA position 2409, T replaced by C.
Protein change: p.Tyr803=; no amino-acid change (tyrosine 803 retained).
Molecular consequence: synonymous variant.
Genome position (GRCh38, 1-based): chr2:166,278,248, A>G on the plus strand (T>C on the coding strand, the complement: SCN9A is on the minus strand). VCF-style: chr2-166278248-A-G. GRCh37 (hg19) VCF-style: chr2-167134758-A-G.
Other names: c.2376T>C, p.Tyr792= (NM_002977.4).
Identifiers: ClinVar variation 289841 (VCV000289841.20), dbSNP rs142219317, ClinGen allele CA1944279.
Genomic context (GRCh38, chr2:166,278,248, plus strand): 5'-GAGCTCCACTAAACTTAAAGTCACAATAAGGCTGTCAAAAATATTCCAGCCTACTTGGAA[A>G]TACTCATATGGATCCATGGCAATCAGTTTTAATACCATTTCAGCTGCAAAGATTCCAGTA-3'
Protein context (NP_001352465.1, residues 793-813): LKLIAMDPYE[Tyr803=]FQVGWNIFDS